The following is an entry in ClinVar:

NM_022124.6(CDH23):c.950C>T (p.Thr317Met)

Gene: CDH23 (cadherin related 23; plus strand). Cytogenetic location: 10q22.1.
Variant type: single nucleotide variant.
Coding change: c.950C>T on transcript NM_022124.6 (MANE Select); coding-DNA position 950, C replaced by T.
Protein change: p.Thr317Met; replaces threonine 317 with methionine.
Molecular consequence: missense variant.
Genome position (GRCh38, 1-based): chr10:71,617,209, C>T. VCF-style: chr10-71617209-C-T. GRCh37 (hg19) VCF-style: chr10-73376966-C-T.
Other names: c.950C>T, p.Thr317Met (NM_001171930.2, NM_001171931.2, NM_001171932.2 and 1 more transcripts); short protein forms T317M.
Identifiers: ClinVar variation 1414816 (VCV001414816.3), dbSNP rs781636195, ClinGen allele CA5543607.

ClinVar aggregate classification (germline): Uncertain significance (1 of 4 stars; one submission).

Allele frequency attached by ClinVar (database versions not stated): TOPMed 0.00001; ExAC 0.00001; gnomAD exomes 0.00001.
gnomAD v4.1: 7 of 1,612,646 alleles (0.00043%); highest among the groups gnomAD compares: East Asian, 0.0045%; no homozygotes.

Submission:

Labcorp Genetics (formerly Invitae), Labcorp
Classification: Uncertain significance. Last evaluated: 2022-03-20. Review status: criteria provided, single submitter. Criteria: Invitae Variant Classification Sherloc (09022015). Collection method: clinical testing. Allele origin: germline.
Comment: This sequence change replaces threonine, which is neutral and polar, with methionine, which is neutral and non-polar, at codon 317 of the CDH23 protein (p.Thr317Met). This variant is present in population databases (rs781636195, gnomAD 0.003%). This variant has not been reported in the literature in individuals affected with CDH23-related conditions. Algorithms developed to predict the effect of missense changes on protein structure and function are either unavailable or do not agree on the potential impact of this missense change (SIFT: "Deleterious"; PolyPhen-2: "Not Available"; Align-GVGD: "Class C65"). In summary, the available evidence is currently insufficient to determine the role of this variant in disease. Therefore, it has been classified as a Variant of Uncertain Significance.